The following is an entry in ClinVar:

NM_000452.3(SLC10A2):c.128C>T (p.Ala43Val)

Gene: SLC10A2 (solute carrier family 10 member 2; minus strand). Cytogenetic location: 13q33.1.
Variant type: single nucleotide variant.
Coding change: c.128C>T on transcript NM_000452.3 (MANE Select); coding-DNA position 128, C replaced by T.
Protein change: p.Ala43Val; replaces alanine 43 with valine.
Molecular consequence: missense variant.
Genome position (GRCh38, 1-based): chr13:103,066,122, G>A on the plus strand (C>T on the coding strand, the complement: SLC10A2 is on the minus strand). VCF-style: chr13-103066122-G-A. GRCh37 (hg19) VCF-style: chr13-103718472-G-A.
Other names: c.128C>T (NM_000452.2); short protein forms A43V.
Identifiers: ClinVar variation 598042 (VCV000598042.10), dbSNP rs201512614, ClinGen allele CA7042340.

ClinVar aggregate classification (germline): Uncertain significance. Review status: criteria provided, multiple submitters, no conflicts (2 of 4 stars). 3 submissions from 3 submitters: Uncertain significance (3). Last evaluated 2025-10-31.

Allele frequency attached by ClinVar (database versions not stated): ExAC 0.00001; gnomAD exomes 0.00002 and 0.00003; TOPMed 0.00005; gnomAD 0.00007.
gnomAD v4.1: 45 of 1,613,924 alleles (0.0028%); highest among the groups gnomAD compares: Admixed American, 0.01%; no homozygotes.

Submissions (3):

Labcorp Genetics (formerly Invitae), Labcorp
Classification: Uncertain significance. Last evaluated: 2025-10-31. Review status: criteria provided, single submitter. Criteria: Invitae Variant Classification Sherloc (09022015). Collection method: clinical testing. Allele origin: germline.
Comment: This sequence change replaces alanine, which is neutral and non-polar, with valine, which is neutral and non-polar, at codon 43 of the SLC10A2 protein (p.Ala43Val). This variant is present in population databases (rs201512614, gnomAD 0.009%). This variant has not been reported in the literature in individuals affected with SLC10A2-related conditions. ClinVar contains an entry for this variant (Variation ID: 598042). Invitae Evidence Modeling of protein sequence and biophysical properties (such as structural, functional, and spatial information, amino acid conservation, physicochemical variation, residue mobility, and thermodynamic stability) indicates that this missense variant is not expected to disrupt SLC10A2 protein function with a negative predictive value of 80%. In summary, the available evidence is currently insufficient to determine the role of this variant in disease. Therefore, it has been classified as a Variant of Uncertain Significance.

Ambry Genetics
Classification: Uncertain significance. Last evaluated: 2021-09-16. Review status: criteria provided, single submitter. Criteria: Ambry Variant Classification Scheme 2023. Collection method: clinical testing. Allele origin: germline.

Eurofins Ntd Llc (ga)
Classification: Uncertain significance. Last evaluated: 2018-07-17. Review status: criteria provided, single submitter. Criteria: EGL ClinVar v180209 classification definitions. Collection method: clinical testing. Allele origin: germline. Observed: 2 variant alleles, 2 heterozygotes.